The following is an entry in ClinVar:

ClinVar aggregate classification (germline): Likely benign (1 of 4 stars; one submission).

Conditions:
PKHD1L1-related disorder. Also called: PKHD1L1-related condition.

Submission:

PreventionGenetics, part of Exact Sciences
Classification: Likely benign for PKHD1L1-related condition. Last evaluated: 2025-09-15. Review status: criteria provided, single submitter. Criteria: ACMG Guidelines, 2015. Collection method: clinical testing. Allele origin: germline.
Comment: This variant is classified as likely benign based on ACMG/AMP sequence variant interpretation guidelines (Richards et al. 2015 PMID: 25741868, with internal and published modifications).

NM_177531.6(PKHD1L1):c.12485-5dup

Gene: PKHD1L1 (PKHD1 like 1; plus strand). Cytogenetic location: 8q23.2.
Variant type: Duplication.
Coding change: c.12485-5dup on transcript NM_177531.6 (MANE Select); 5 bases into the intron before coding-DNA position 12485, one base duplicated (T; older notation c.12485-5dupT).
Molecular consequence: intron variant.
Genome position (GRCh38, 1-based): chr8:109,526,779, T duplicated; the last of 9 consecutive T bases (chr8:109,526,771-109,526,779); duplicating any one gives the same sequence. VCF-style (leftmost placement, unchanged base first): chr8-109526770-C-CT. GRCh37 (hg19) VCF-style: chr8-110538999-C-CT.
Identifiers: ClinVar variation 4981119 (VCV004981119.1).